The following is an entry in ClinVar:

NM_016239.4(MYO15A):c.3418C>T (p.Gln1140Ter)

Gene: MYO15A (myosin XVA; plus strand). Cytogenetic location: 17p11.2.
Variant type: single nucleotide variant.
Coding change: c.3418C>T on transcript NM_016239.4 (MANE Select); coding-DNA position 3418, C replaced by T.
Protein change: p.Gln1140Ter; replaces glutamine 1140 with a stop codon.
Molecular consequence: nonsense.
Genome position (GRCh38, 1-based): chr17:18,122,218, C>T. VCF-style: chr17-18122218-C-T. GRCh37 (hg19) VCF-style: chr17-18025532-C-T.
Other names: short protein forms Q1140*.
Identifiers: ClinVar variation 3010961 (VCV003010961.4), dbSNP rs776997964, ClinGen allele CA8423458.

ClinVar aggregate classification (germline): Pathogenic/Likely pathogenic. Review status: criteria provided, multiple submitters, no conflicts (2 of 4 stars). 2 submissions from 2 submitters: Pathogenic (1); Likely pathogenic (1). Last evaluated 2026-08-06.

Conditions:
Autosomal recessive nonsyndromic hearing loss 3. Also called: NEUROSENSORY NONSYNDROMIC RECESSIVE DEAFNESS 3. Identifiers: Orphanet 90636, MedGen C1838263, MONDO:0010860, OMIM 600316.

Submissions (2):

OLLIN Analises Genomicas, OLLIN
Classification: Likely pathogenic for Autosomal recessive nonsyndromic hearing loss 3. Last evaluated: 2026-08-06. Review status: criteria provided, single submitter. Criteria: ACMG Guidelines 2015 PMID 25741868. Collection method: clinical testing. Allele origin: germline. Inheritance: Autosomal recessive inheritance.
Comment: This nonsense variant, located in exon 2 (of 66), is absent from gnomAD and has not been identified in the literature. However, it has been reported in ClinVar (accession VCV003010961.3). This variant introduces a premature stop codon, which is predicted to result in either a truncated protein or degradation of the mRNA via nonsense-mediated decay (NMD). According to the currently available evidence, this variant has been classified as likely pathogenic (PVS1, PM2_P).

Labcorp Genetics (formerly Invitae), Labcorp
Classification: Pathogenic. Last evaluated: 2023-11-21. Review status: criteria provided, single submitter. Criteria: Invitae Variant Classification Sherloc (09022015). Collection method: clinical testing. Allele origin: germline.
Comment: This sequence change creates a premature translational stop signal (p.Gln1140*) in the MYO15A gene. It is expected to result in an absent or disrupted protein product. Loss-of-function variants in MYO15A are known to be pathogenic (PMID: 17546645). This variant is not present in population databases (gnomAD no frequency). This variant has not been reported in the literature in individuals affected with MYO15A-related conditions. For these reasons, this variant has been classified as Pathogenic.

Literature cited by the submitters: PubMed 17546645 (cited by Labcorp Genetics (formerly Invitae), Labcorp).